The following is an entry in ClinVar:

ClinVar aggregate classification (germline): Uncertain significance (1 of 4 stars; one submission).

gnomAD v4.1: 2 of 1,229,262 alleles (0.00016%); highest among the groups gnomAD compares: African/African-American, 0.0032%; no homozygotes.

Submission:

Labcorp Genetics (formerly Invitae), Labcorp
Classification: Uncertain significance. Last evaluated: 2026-01-22. Review status: criteria provided, single submitter. Criteria: Invitae Variant Classification Sherloc (09022015). Collection method: clinical testing. Allele origin: germline.
Comment: This sequence change replaces leucine, which is neutral and non-polar, with valine, which is neutral and non-polar, at codon 129 of the IRF2BP2 protein (p.Leu129Val). This variant is not present in population databases (gnomAD no frequency). This variant has not been reported in the literature in individuals affected with IRF2BP2-related conditions. An algorithm developed to predict the effect of missense changes on protein structure and function (PolyPhen-2) suggests that this variant is likely to be disruptive. In summary, the available evidence is currently insufficient to determine the role of this variant in disease. Therefore, it has been classified as a Variant of Uncertain Significance.

NM_182972.3(IRF2BP2):c.385C>G (p.Leu129Val)

Genes: IRF2BP2 (interferon regulatory factor 2 binding protein 2; minus strand), LOC129932812 (ATAC-STARR-seq lymphoblastoid silent region 1977; plus strand). Cytogenetic location: 1q42.3.
Variant type: single nucleotide variant.
Coding change: c.385C>G on transcript NM_182972.3 (MANE Select); coding-DNA position 385, C replaced by G.
Protein change: p.Leu129Val; replaces leucine 129 with valine.
Molecular consequence: missense variant.
Genome position (GRCh38, 1-based): chr1:234,609,110, G>C on the plus strand (C>G on the coding strand, the complement: IRF2BP2 is on the minus strand). VCF-style: chr1-234609110-G-C. GRCh37 (hg19) VCF-style: chr1-234744856-G-C.
Other names: c.385C>G, p.Leu129Val (NM_001077397.1); short protein forms L129V.
Identifiers: ClinVar variation 4763994 (VCV004763994.1).